The following is an entry in ClinVar:

ClinVar aggregate classification (germline): Uncertain significance. Review status: criteria provided, multiple submitters, no conflicts (2 of 4 stars). 2 submissions from 2 submitters: Uncertain significance (2). Last evaluated 2025-12-11.

Conditions:
Infantile spasms. Also called: Infantile spasm. Identifiers: MedGen C3887898, HP:0012469.

gnomAD v4.1: 2 of 1,614,010 alleles (0.00012%); highest among the groups gnomAD compares: Admixed American, 0.0033%; no homozygotes.

Submissions (2):

Ambry Genetics
Classification: Uncertain significance. Last evaluated: 2025-12-11. Review status: criteria provided, single submitter. Criteria: Ambry Variant Classification Scheme 2023. Collection method: clinical testing. Allele origin: germline.

Labcorp Genetics (formerly Invitae), Labcorp
Classification: Uncertain significance for Infantile spasms. Last evaluated: 2023-11-27. Review status: criteria provided, single submitter. Criteria: Invitae Variant Classification Sherloc (09022015). Collection method: clinical testing. Allele origin: germline.
Comment: This sequence change replaces aspartic acid, which is acidic and polar, with glutamic acid, which is acidic and polar, at codon 127 of the PIK3AP1 protein (p.Asp127Glu). This variant is present in population databases (no rsID available, gnomAD 0.006%). This variant has not been reported in the literature in individuals affected with PIK3AP1-related conditions. Algorithms developed to predict the effect of missense changes on protein structure and function output the following: SIFT: "Not Available"; PolyPhen-2: "Benign"; Align-GVGD: "Not Available". The glutamic acid amino acid residue is found in multiple mammalian species, which suggests that this missense change does not adversely affect protein function. In summary, the available evidence is currently insufficient to determine the role of this variant in disease. Therefore, it has been classified as a Variant of Uncertain Significance.

NM_152309.3(PIK3AP1):c.381C>A (p.Asp127Glu)

Gene: PIK3AP1 (phosphoinositide-3-kinase adaptor protein 1; minus strand). Cytogenetic location: 10q24.1.
Variant type: single nucleotide variant.
Coding change: c.381C>A on transcript NM_152309.3 (MANE Select); coding-DNA position 381, C replaced by A.
Protein change: p.Asp127Glu; replaces aspartic acid 127 with glutamic acid.
Molecular consequence: missense variant.
Genome position (GRCh38, 1-based): chr10:96,709,616, G>T on the plus strand (C>A on the coding strand, the complement: PIK3AP1 is on the minus strand). VCF-style: chr10-96709616-G-T. GRCh37 (hg19) VCF-style: chr10-98469373-G-T.
Other names: c.381C>A (NM_152309.2); short protein forms D127E.
Identifiers: ClinVar variation 2696802 (VCV002696802.4), dbSNP rs1206726427, ClinGen allele CA377759106.